The following is an entry in ClinVar:

ClinVar aggregate classification (germline): Pathogenic (1 of 4 stars; one submission).

Submission:

Labcorp Genetics (formerly Invitae), Labcorp
Classification: Pathogenic. Last evaluated: 2022-05-16. Review status: criteria provided, single submitter. Criteria: Invitae Variant Classification Sherloc (09022015). Collection method: clinical testing. Allele origin: germline.
Comment: For these reasons, this variant has been classified as Pathogenic. This variant has not been reported in the literature in individuals affected with WDR73-related conditions. This variant is present in population databases (no rsID available, gnomAD 0.003%). This sequence change creates a premature translational stop signal (p.Arg225Metfs*4) in the WDR73 gene. It is expected to result in an absent or disrupted protein product. Loss-of-function variants in WDR73 are known to be pathogenic (PMID: 25466283, 25873735, 26123727).

Literature cited by the submitters: PubMed 25466283; PubMed 25873735; PubMed 26123727.

NM_032856.5(WDR73):c.674_675del (p.Arg225fs)

Gene: WDR73 (WD repeat domain 73; minus strand). Cytogenetic location: 15q25.2.
Variant type: Microsatellite.
Coding change: c.674_675del on transcript NM_032856.5 (MANE Select); coding-DNA positions 674 to 675, 2 bases deleted (GA; older notation c.674_675delGA).
Protein change: p.Arg225fs; shifts the reading frame from arginine 225.
Molecular consequence: frameshift variant. On other transcripts: non-coding transcript variant (4).
Genome position (GRCh38, 1-based): chr15:84,645,679-84,645,680, TC deleted on the plus strand (GA on the coding strand, the reverse complement: WDR73 is on the minus strand); deleting any 2 consecutive bases within chr15:84,645,679-84,645,686 gives the same sequence; the c. name uses the placement nearest the transcript's 3' end. VCF-style (leftmost placement, unchanged base first): chr15-84645678-ATC-A. GRCh37 (hg19) VCF-style: chr15-85188909-ATC-A.
Other names: short protein forms R225fs.
Identifiers: ClinVar variation 1953148 (VCV001953148.5), dbSNP rs1337668635, ClinGen allele CA619854900.